The following is an entry in ClinVar:

ClinVar aggregate classification (germline): Pathogenic. Review status: criteria provided, multiple submitters, no conflicts (2 of 4 stars). 3 submissions from 3 submitters: Pathogenic (3). Last evaluated 2026-01-21.

Conditions:
Stickler syndrome type 1 (STL1). Also called: ARTHROOPHTHALMOPATHY, HEREDITARY PROGRESSIVE; COL2A1-Related Stickler Syndrome; STICKLER SYNDROME, MEMBRANOUS VITREOUS TYPE; STICKLER SYNDROME, VITREOUS TYPE 1. Identifiers: Orphanet 828, Orphanet 90653, MedGen C2020284, MONDO:0007160, OMIM 108300.

Submissions (3):

Labcorp Genetics (formerly Invitae), Labcorp
Classification: Pathogenic. Last evaluated: 2026-01-21. Review status: criteria provided, single submitter. Criteria: Invitae Variant Classification Sherloc (09022015). Collection method: clinical testing. Allele origin: germline.
Comment: This sequence change creates a premature translational stop signal (p.Gln1094*) in the COL2A1 gene. It is expected to result in an absent or disrupted protein product. Loss-of-function variants in COL2A1 are known to be pathogenic (PMID: 20179744). This variant is not present in population databases (gnomAD no frequency). This premature translational stop signal has been observed in individual(s) with Stickler syndrome type I (PMID: 16752401). ClinVar contains an entry for this variant (Variation ID: 1334674). For these reasons, this variant has been classified as Pathogenic.

GeneDx
Classification: Pathogenic. Last evaluated: 2022-06-06. Review status: criteria provided, single submitter. Criteria: GeneDx Variant Classification Process June 2021. Collection method: clinical testing. Allele origin: germline. Affected: yes.
Comment: Nonsense variant predicted to result in protein truncation or nonsense mediated decay in a gene for which loss of function is a known mechanism of disease; Not observed at significant frequency in large population cohorts (gnomAD); Reported in a family with Stickler syndrome in the published literature (Richards et al., 2006); This variant is associated with the following publications: (PMID: 25525159, 16752401)

Greenwood Genetic Center Diagnostic Laboratories, Greenwood Genetic Center
Classification: Pathogenic for Stickler syndrome type 1. Last evaluated: 2021-11-08. Review status: criteria provided, single submitter. Criteria: ACMG Guidelines, 2015. Collection method: clinical testing. Allele origin: germline. Affected: yes.
Comment: PVS1, PS4_Supporting, PM2

Literature cited by the submitters: PubMed 20179744 (cited by Labcorp Genetics (formerly Invitae), Labcorp); PubMed 16752401 (cited by Labcorp Genetics (formerly Invitae), Labcorp).

NM_001844.5(COL2A1):c.3280C>T (p.Gln1094Ter)

Gene: COL2A1 (collagen type II alpha 1 chain; minus strand). Cytogenetic location: 12q13.11.
Variant type: single nucleotide variant.
Coding change: c.3280C>T on transcript NM_001844.5 (MANE Select); coding-DNA position 3280, C replaced by T.
Protein change: p.Gln1094Ter; replaces glutamine 1094 with a stop codon.
Molecular consequence: nonsense.
Genome position (GRCh38, 1-based): chr12:47,977,149, G>A on the plus strand (C>T on the coding strand, the complement: COL2A1 is on the minus strand). VCF-style: chr12-47977149-G-A. GRCh37 (hg19) VCF-style: chr12-48370932-G-A.
Other names: c.3073C>T, p.Gln1025Ter (NM_033150.3); c.3280C>T (NM_001844.4); short protein forms Q1025*, Q1094*.
Identifiers: ClinVar variation 1334674 (VCV001334674.12), dbSNP rs2136520087, ClinGen allele CA384539779.